The following is an entry in ClinVar:

ClinVar aggregate classification (germline): Likely pathogenic (1 of 4 stars; one submission).

Conditions:
Pyruvate dehydrogenase E3 deficiency (DLDD). Also called: Dihydrolipoamide Dehydrogenase (E3) Deficiency; Lipoamide dehydrogenase deficiency, lactic acidosis due to; Lipoamide dehydrogenase deficiency; DLD DEFICIENCY; E3 DEFICIENCY; Dihydrolipoamide Dehydrogenase Deficiency. Identifiers: Orphanet 2394, Orphanet 765, MedGen C5574660, MONDO:0009529, OMIM 246900.

Submission:

Myriad Genetics, Inc.
Classification: Likely pathogenic for Pyruvate dehydrogenase E3 deficiency. Last evaluated: 2021-11-25. Review status: criteria provided, single submitter. Criteria: Myriad Women's Health Autosomal Recessive and X-Linked Classification Criteria (2021). Collection method: clinical testing. Allele origin: unknown.
Comment: NM_000108.3(DLD):c.1109_1112dupGCAT(I371Mfs*6) is expected to be pathogenic in the context of dihydrolipoamide dehydrogenase deficiency. This variant is predicted to lead to an abnormal or absent protein product due to the creation of a premature termination codon in DLD, a gene where loss-of-function variants are known to be pathogenic. Please note: this variant was assessed in the context of healthy population screening.

NM_000108.5(DLD):c.1109_1112dup (p.Ile371fs)

Gene: DLD (dihydrolipoamide dehydrogenase; plus strand). Cytogenetic location: 7q31.1.
Variant type: Duplication.
Coding change: c.1109_1112dup on transcript NM_000108.5 (MANE Select); coding-DNA positions 1109 to 1112, 4 bases duplicated (GCAT; older notation c.1109_1112dupGCAT).
Protein change: p.Ile371fs; shifts the reading frame from isoleucine 371.
Molecular consequence: frameshift variant.
Genome position (GRCh38, 1-based): chr7:107,917,335-107,917,338, GCAT duplicated. VCF-style (leftmost placement, unchanged base first): chr7-107917334-G-GGCAT. GRCh37 (hg19) VCF-style: chr7-107557779-G-GGCAT.
Other names: c.812_815dup, p.Ile272fs (NM_001289750.1); c.1040_1043dup, p.Ile348fs (NM_001289751.1); c.965_968dup, p.Ile323fs (NM_001289752.1); short protein forms I272fs, I323fs, I348fs, I371fs.
Identifiers: ClinVar variation 1724952 (VCV001724952.2), dbSNP rs2535602325, ClinGen allele CA2580076206.